The following is an entry in ClinVar:

NM_012179.4(FBXO7):c.571G>C (p.Asp191His)

Gene: FBXO7 (F-box protein 7; plus strand). Cytogenetic location: 22q12.3.
Variant type: single nucleotide variant.
Coding change: c.571G>C on transcript NM_012179.4 (MANE Select); coding-DNA position 571, G replaced by C.
Protein change: p.Asp191His; replaces aspartic acid 191 with histidine.
Molecular consequence: missense variant.
Genome position (GRCh38, 1-based): chr22:32,484,050, G>C. VCF-style: chr22-32484050-G-C. GRCh37 (hg19) VCF-style: chr22-32880037-G-C.
Other names: c.334G>C, p.Asp112His (NM_001033024.2); c.229G>C, p.Asp77His (NM_001257990.2); short protein forms D112H, D191H, D77H.
Identifiers: ClinVar variation 1361891 (VCV001361891.4), dbSNP rs1021814487, ClinGen allele CA323431232.

ClinVar aggregate classification (germline): Uncertain significance (1 of 4 stars; one submission).

Conditions:
Parkinsonian-pyramidal syndrome. Also called: PARKINSON DISEASE 15, AUTOSOMAL RECESSIVE EARLY-ONSET; PALLIDOPYRAMIDAL SYNDROME; PARKINSON DISEASE 15, AUTOSOMAL RECESSIVE. Identifiers: Orphanet 171695, MedGen C1850100, MONDO:0009830, OMIM 260300.

Allele frequency attached by ClinVar (database versions not stated): gnomAD exomes below 0.00001 and 0.00001.
gnomAD v4.1: 2 of 1,614,158 alleles (0.00012%); highest among the groups gnomAD compares: Non-Finnish European, 0.00017%; no homozygotes.

Submission:

Labcorp Genetics (formerly Invitae), Labcorp
Classification: Uncertain significance for Parkinsonian-pyramidal syndrome. Last evaluated: 2022-05-09. Review status: criteria provided, single submitter. Criteria: Invitae Variant Classification Sherloc (09022015). Collection method: clinical testing. Allele origin: germline.
Comment: This sequence change replaces aspartic acid, which is acidic and polar, with histidine, which is basic and polar, at codon 191 of the FBXO7 protein (p.Asp191His). This variant is present in population databases (no rsID available, gnomAD 0.002%). This variant has not been reported in the literature in individuals affected with FBXO7-related conditions. Algorithms developed to predict the effect of missense changes on protein structure and function (SIFT, PolyPhen-2, Align-GVGD) all suggest that this variant is likely to be tolerated. In summary, the available evidence is currently insufficient to determine the role of this variant in disease. Therefore, it has been classified as a Variant of Uncertain Significance.